The following is an entry in ClinVar:

ClinVar aggregate classification (germline): Uncertain significance. Review status: criteria provided, multiple submitters, no conflicts (2 of 4 stars). 2 submissions from 2 submitters: Uncertain significance (2). Last evaluated 2025-08-21.

Conditions:
Inborn genetic diseases. Identifiers: MedGen C0950123, MeSH D030342.

Allele frequency attached by ClinVar (database versions not stated): TOPMed 0.00001; gnomAD exomes 0.00002; ExAC 0.00004.
gnomAD v4.1: 28 of 1,613,894 alleles (0.0017%); highest among the groups gnomAD compares: Middle Eastern, 0.066%; no homozygotes.

Submissions (2):

Ambry Genetics
Classification: Uncertain significance for Inborn genetic diseases. Last evaluated: 2025-08-21. Review status: criteria provided, single submitter. Criteria: Ambry Variant Classification Scheme 2023. Collection method: clinical testing. Allele origin: germline.

Labcorp Genetics (formerly Invitae), Labcorp
Classification: Uncertain significance. Last evaluated: 2021-08-11. Review status: criteria provided, single submitter. Criteria: Invitae Variant Classification Sherloc (09022015). Collection method: clinical testing. Allele origin: germline.
Comment: In summary, the available evidence is currently insufficient to determine the role of this variant in disease. Therefore, it has been classified as a Variant of Uncertain Significance. Algorithms developed to predict the effect of missense changes on protein structure and function are either unavailable or do not agree on the potential impact of this missense change (SIFT: "Not Available"; PolyPhen-2: "Probably Damaging"; Align-GVGD: "Not Available"). This variant has not been reported in the literature in individuals affected with POLR1A-related conditions. This variant is present in population databases (rs770461054, ExAC 0.01%). This sequence change replaces threonine with methionine at codon 34 of the POLR1A protein (p.Thr34Met). The threonine residue is highly conserved and there is a moderate physicochemical difference between threonine and methionine.

NM_015425.6(POLR1A):c.101C>T (p.Thr34Met)

Gene: POLR1A (RNA polymerase I subunit A; minus strand). Cytogenetic location: 2p11.2.
Variant type: single nucleotide variant.
Coding change: c.101C>T on transcript NM_015425.6 (MANE Select); coding-DNA position 101, C replaced by T.
Protein change: p.Thr34Met; replaces threonine 34 with methionine.
Molecular consequence: missense variant.
Genome position (GRCh38, 1-based): chr2:86,100,149, G>A on the plus strand (C>T on the coding strand, the complement: POLR1A is on the minus strand). VCF-style: chr2-86100149-G-A. GRCh37 (hg19) VCF-style: chr2-86327272-G-A.
Other names: c.101C>T (NM_015425.3); short protein forms T34M.
Identifiers: ClinVar variation 1450028 (VCV001450028.7), dbSNP rs770461054, ClinGen allele CA1746737.